The following is an entry in ClinVar:

ClinVar aggregate classification (germline): Uncertain significance (1 of 4 stars; one submission).

gnomAD v4.1: 1 of 1,613,174 alleles (0.000062%); highest among the groups gnomAD compares: Non-Finnish European, 0.000085%; no homozygotes.

Submission:

Women's Health and Genetics/Laboratory Corporation of America, LabCorp
Classification: Uncertain significance. Last evaluated: 2026-06-03. Review status: criteria provided, single submitter. Criteria: LabCorp Variant Classification Summary - May 2015. Collection method: clinical testing. Allele origin: germline.
Comment: Variant summary: FBN2 c.1643A>G (p.Asp548Gly) results in a non-conservative amino acid change in the encoded protein sequence. Algorithms developed to predict the effect of missense changes on protein structure and function all suggest that this variant is likely to be disruptive. The variant was absent in 250396 control chromosomes. The available data on variant occurrences in the general population are insufficient to allow any conclusion about variant significance. To our knowledge, no occurrence of c.1643A>G in individuals affected with FBN2-related conditions and no experimental evidence demonstrating its impact on protein function have been reported. No submitters have cited clinical-significance assessments for this variant to ClinVar. Based on the evidence outlined above, the variant was classified as uncertain significance.

NM_001999.4(FBN2):c.1643A>G (p.Asp548Gly)

Gene: FBN2 (fibrillin 2; minus strand). Cytogenetic location: 5q23.3.
Variant type: single nucleotide variant.
Coding change: c.1643A>G on transcript NM_001999.4 (MANE Select); coding-DNA position 1643, A replaced by G.
Protein change: p.Asp548Gly; replaces aspartic acid 548 with glycine.
Molecular consequence: missense variant.
Genome position (GRCh38, 1-based): chr5:128,378,851, T>C on the plus strand (A>G on the coding strand, the complement: FBN2 is on the minus strand). VCF-style: chr5-128378851-T-C. GRCh37 (hg19) VCF-style: chr5-127714544-T-C.
Other names: short protein forms D548G.
Identifiers: ClinVar variation 4887550 (VCV004887550.1).
Genomic context (GRCh38, chr5:128,378,851, plus strand): 5'-GGAGTCCTCTGGAATCCAGCATGACATTTACAATAATAGGAACCAGGTGTGTTAACACAA[T>C]CTCCATTAGTGCAGGGATTTGATGTGCATTCATCAACATCTGTGAGCAGCAAAAGAAACC-3'
Protein context (NP_001990.2, residues 538-558): ECTSNPCTNG[Asp548Gly]CVNTPGSYYC